The following is an entry in ClinVar:

NM_001283009.2(RTEL1):c.1862C>T (p.Ala621Val)

Genes: RTEL1 (regulator of telomere elongation helicase 1; plus strand), RTEL1-TNFRSF6B (RTEL1-TNFRSF6B readthrough (NMD candidate); plus strand). Cytogenetic location: 20q13.33.
Variant type: single nucleotide variant.
Coding change: c.1862C>T on transcript NM_001283009.2 (MANE Select); coding-DNA position 1862, C replaced by T.
Protein change: p.Ala621Val; replaces alanine 621 with valine.
Molecular consequence: missense variant. On other transcripts: non-coding transcript variant (1).
Genome position (GRCh38, 1-based): chr20:63,689,116, C>T. VCF-style: chr20-63689116-C-T. GRCh37 (hg19) VCF-style: chr20-62320469-C-T.
Other names: c.1193C>T, p.Ala398Val (NM_001283010.1); c.1862C>T, p.Ala621Val (NM_016434.4); c.1934C>T, p.Ala645Val (NM_032957.5); short protein forms A398V, A621V, A645V.
Identifiers: ClinVar variation 1438130 (VCV001438130.11), dbSNP rs535749230, ClinGen allele CA9965046.

ClinVar aggregate classification (germline): Uncertain significance. Review status: criteria provided, multiple submitters, no conflicts (2 of 4 stars). 2 submissions from 2 submitters: Uncertain significance (2). Last evaluated 2026-05-19.

Conditions:
Dyskeratosis congenita, autosomal recessive 5 (DKCB5). Identifiers: MedGen C3554656, MONDO:0014076, OMIM 615190.
Pulmonary fibrosis and/or bone marrow failure, Telomere-related, 3. Also called: PULMONARY FIBROSIS AND/OR BONE MARROW FAILURE SYNDROME, TELOMERE-RELATED, 3. Identifiers: Orphanet 2032, MedGen C4225346, MONDO:0014613, OMIM 616373.

Allele frequency attached by ClinVar (database versions not stated): 1000 Genomes Project 0.00020; gnomAD 0.00001; gnomAD exomes 0.00001 and below 0.00001; ExAC 0.00002; 1000 Genomes Project 30x 0.00031.
gnomAD v4.1: 3 of 1,609,680 alleles (0.00019%); highest among the groups gnomAD compares: African/African-American, 0.0013%; no homozygotes.

Submissions (2):

Victorian Clinical Genetics Services, Murdoch Childrens Research Institute
Classification: Uncertain significance for Pulmonary fibrosis and/or bone marrow failure, Telomere-related, 3. Last evaluated: 2026-05-19. Review status: criteria provided, single submitter. Criteria: ACMG Guidelines, 2015. Collection method: clinical testing. Allele origin: germline. Affected: yes.
Comment: This variant is classified as VUS-3A. Evidence in support of pathogenic classification: Variant is present in gnomAD <0.01 (v4: 3 heterozygote(s), 0 homozygote(s)). - Another missense variant comparable to the one identified in this case has limited previous evidence for pathogenicity. p.(Ala621Thr) has been reported heterozygous in four individuals from a single family. The proband of this family presented with thrombocytopenia, aplastic anaemia and telomere length below the 1st percentile. Other family members were asymptomatic, with two presenting with telomere lengths below the 10th percentile and one with normal telomere length (PMID: 39316766, 23329068, 34019708); Missense variant predicted to be damaging by in silico tool(s) or highly conserved with a major amino acid change. Additional information: Variant is predicted to result in a missense amino acid change from Ala to Val; This variant is heterozygous; This gene is associated with both recessive and dominant disease. Currently, the genotype-phenotype relationship has not been established (OMIM); Alternative amino acid change(s) at the same position are present in gnomAD (Highest allele count: v4: 2 heterozygote(s), 0 homozygote(s)); Previous evidence of pathogenicity for this variant is inconclusive. This variant has been classified as a VUS by a clinical laboratory in ClinVar. It has also been reported in the literature in an individual with a telomere biology disorder, who was also heterozygous for an NMD-predicted variant with phasing not confirmed (PMID: 39279213); No published evidence of segregation with disease has been identified for this variant; No published functional evidence has been identified for this variant; Variant is located in the annotated helicase C-terminal domain (DECIPHER); Loss of function is a known mechanism of disease in this gene and is associated with autosomal dominant dyskeratosis congenita 4 and autosomal recessive dyskeratosis congenita 5 (MIM#615190), and autosomal dominant pulmonary fibrosis and/or bone marrow failure syndrome, telomere-related, 3 (MIM#616373); The condition associated with this gene has incomplete penetrance. Monoallelic pathogenic variants have been reported in asymptomatic family members (PMID: 23329068, 25848748, 35199181); Variants in this gene are known to have variable expressivity (OMIM).

Labcorp Genetics (formerly Invitae), Labcorp
Classification: Uncertain significance for Dyskeratosis congenita, autosomal recessive 5; Pulmonary fibrosis and/or bone marrow failure, Telomere-related, 3. Last evaluated: 2025-04-30. Review status: criteria provided, single submitter. Criteria: Invitae Variant Classification Sherloc (09022015). Collection method: clinical testing. Allele origin: germline.
Comment: This sequence change replaces alanine, which is neutral and non-polar, with valine, which is neutral and non-polar, at codon 621 of the RTEL1 protein (p.Ala621Val). The frequency data for this variant in the population databases is considered unreliable, as metrics indicate poor data quality at this position in the gnomAD database. This variant has not been reported in the literature in individuals affected with RTEL1-related conditions. ClinVar contains an entry for this variant (Variation ID: 1438130). An algorithm developed to predict the effect of missense changes on protein structure and function (PolyPhen-2) suggests that this variant is likely to be disruptive. In summary, the available evidence is currently insufficient to determine the role of this variant in disease. Therefore, it has been classified as a Variant of Uncertain Significance.

Literature cited by the submitters: PubMed 23329068 (cited by Victorian Clinical Genetics Services, Murdoch Childrens Research Institute); PubMed 39279213 (cited by Victorian Clinical Genetics Services, Murdoch Childrens Research Institute); PubMed 35199181 (cited by Victorian Clinical Genetics Services, Murdoch Childrens Research Institute); PubMed 34019708 (cited by Victorian Clinical Genetics Services, Murdoch Childrens Research Institute); PubMed 25848748 (cited by Victorian Clinical Genetics Services, Murdoch Childrens Research Institute); PubMed 39316766 (cited by Victorian Clinical Genetics Services, Murdoch Childrens Research Institute).